The following is an entry in ClinVar:

ClinVar aggregate classification (germline): Uncertain significance (1 of 4 stars; one submission).

Submission:

Labcorp Genetics (formerly Invitae), Labcorp
Classification: Uncertain significance. Last evaluated: 2025-09-18. Review status: criteria provided, single submitter. Criteria: Invitae Variant Classification Sherloc (09022015). Collection method: clinical testing. Allele origin: germline.
Comment: This variant, c.3067_3069del, results in the deletion of 1 amino acid(s) of the ERCC6L2 protein (p.Glu1023del), but otherwise preserves the integrity of the reading frame. This variant is not present in population databases (gnomAD no frequency). This variant has not been reported in the literature in individuals affected with ERCC6L2-related conditions. ClinVar contains an entry for this variant (Variation ID: 1387908). Experimental studies and prediction algorithms are not available or were not evaluated, and the functional significance of this variant is currently unknown. In summary, the available evidence is currently insufficient to determine the role of this variant in disease. Therefore, it has been classified as a Variant of Uncertain Significance.

NM_020207.7(ERCC6L2):c.3034_3036del (p.Glu1012del)

Gene: ERCC6L2 (ERCC excision repair 6 like 2; plus strand). Cytogenetic location: 9q22.32.
Variant type: Deletion.
Coding change: c.3034_3036del on transcript NM_020207.7 (MANE Select); coding-DNA positions 3034 to 3036, 3 bases deleted (GAA; older notation c.3034_3036delGAA).
Protein change: p.Glu1012del; deletes glutamic acid 1012.
Molecular consequence: inframe deletion. On other transcripts: non-coding transcript variant (1).
Genome position (GRCh38, 1-based): chr9:95,972,785-95,972,787, GAA deleted; deleting any 3 consecutive bases within chr9:95,972,783-95,972,787 gives the same sequence; the c. name uses the placement nearest the transcript's 3' end. VCF-style (leftmost placement, unchanged base first): chr9-95972782-AAAG-A. GRCh37 (hg19) VCF-style: chr9-98735064-AAAG-A.
Other names: c.3034_3036del, p.Glu1012del (NM_001375291.1, NM_001375292.1, NM_001375293.1 and 1 more transcripts); short protein forms E1012del.
Identifiers: ClinVar variation 1387908 (VCV001387908.4), dbSNP rs1392616283, ClinGen allele CA589285454.